The following is an entry in ClinVar:

NM_021831.6(AGBL5):c.2553_2554inv (p.Ser851_Leu852delinsArgIle)

Gene: AGBL5 (AGBL carboxypeptidase 5; plus strand). Cytogenetic location: 2p23.3.
Variant type: Inversion.
Coding change: c.2553_2554inv on transcript NM_021831.6 (MANE Select).
Protein change: p.Ser851_Leu852delinsArgIle.
Molecular consequence: missense variant. On other transcripts: non-coding transcript variant (2).
Genome position: GRCh38 VCF-style: chr2-27070155-TC-GA. GRCh37 (hg19) VCF-style: chr2-27293023-TC-GA.
Identifiers: ClinVar variation 1053985 (VCV001053985.6), ClinGen allele CA2499215845.

ClinVar aggregate classification (germline): Uncertain significance (1 of 4 stars; one submission).

Submission:

Labcorp Genetics (formerly Invitae), Labcorp
Classification: Uncertain significance. Last evaluated: 2022-11-15. Review status: criteria provided, single submitter. Criteria: Invitae Variant Classification Sherloc (09022015). Collection method: clinical testing. Allele origin: germline.
Comment: In summary, the available evidence is currently insufficient to determine the role of this variant in disease. Therefore, it has been classified as a Variant of Uncertain Significance. Experimental studies and prediction algorithms are not available or were not evaluated, and the functional significance of this variant is currently unknown. ClinVar contains an entry for this variant (Variation ID: 1053985). This variant has not been reported in the literature in individuals affected with AGBL5-related conditions. Information on the frequency of this variant in the gnomAD database is not available, as this variant may be reported differently in the database. This variant, c.2553_2554delinsGA, is a complex sequence change that results in the deletion of 2 and insertion of 2 amino acid(s) in the AGBL5 protein (p.Ser851_Leu852delinsArgIle).